The following is an entry in ClinVar:

ClinVar aggregate classification (germline): Likely pathogenic. Review status: criteria provided, multiple submitters, no conflicts (2 of 4 stars). 2 submissions from 2 submitters: Likely pathogenic (2). Last evaluated 2023-08-18.

Conditions:
NR2F1-related disorder. Also called: NR2F1-related condition.
Bosch-Boonstra-Schaaf optic atrophy syndrome (BBSOAS). Also called: NR2F1-Related Neurodevelopmental Disorder. Identifiers: Orphanet 401777, MedGen C3810363, MONDO:0014320, OMIM 615722.

Submissions (2):

Blueprint Genetics
Classification: Likely pathogenic for NR2F1-related disorders. Last evaluated: 2023-08-18. Review status: criteria provided, single submitter. Criteria: ACMG Guidelines, 2015. Collection method: clinical testing. Allele origin: germline. Affected: yes. Observed: 1 variant allele.

Centre for Mendelian Genomics, University Medical Centre Ljubljana
Classification: Likely pathogenic for Bosch-Boonstra-Schaaf optic atrophy syndrome. Last evaluated: 2016-01-01. Review status: criteria provided, single submitter. Criteria: ACMG Guidelines, 2015. Collection method: clinical testing. Allele origin: unknown. Affected: yes.
Comment: This variant was classified as: Likely pathogenic. This variant arose de novo in at least one reported proband.

NM_005654.6(NR2F1):c.463+1G>A

Genes: NR2F1 (nuclear receptor subfamily 2 group F member 1; plus strand), NR2F1-AS1 (NR2F1 regulatory antisense RNA 1; minus strand). Cytogenetic location: 5q15.
Variant type: single nucleotide variant.
Coding change: c.463+1G>A on transcript NM_005654.6 (MANE Select); the canonical splice donor site of the intron after coding-DNA position 463, G replaced by A.
Molecular consequence: splice donor variant.
Genome position (GRCh38, 1-based): chr5:93,585,487, G>A. VCF-style: chr5-93585487-G-A. GRCh37 (hg19) VCF-style: chr5-92921193-G-A.
Identifiers: ClinVar variation 930513 (VCV000930513.4), dbSNP rs1753213365, ClinGen allele CA360526353.